The following is an entry in ClinVar:

NM_004186.5(SEMA3F):c.261C>T (p.Arg87=)

Gene: SEMA3F (semaphorin 3F; plus strand). Cytogenetic location: 3p21.31.
Variant type: single nucleotide variant.
Coding change: c.261C>T on transcript NM_004186.5 (MANE Select); coding-DNA position 261, C replaced by T.
Protein change: p.Arg87=; no amino-acid change (arginine 87 retained).
Molecular consequence: synonymous variant.
Genome position (GRCh38, 1-based): chr3:50,173,941, C>T. VCF-style: chr3-50173941-C-T. GRCh37 (hg19) VCF-style: chr3-50211374-C-T.
Other names: c.57C>T, p.Arg19= (NM_001318798.2); c.261C>T, p.Arg87= (NM_001318800.2).
Identifiers: ClinVar variation 2636641 (VCV002636641.2), dbSNP rs771554773, ClinGen allele CA2411675.

ClinVar aggregate classification (germline): Uncertain significance (1 of 4 stars; one submission).

Conditions:
SEMA3F-related disorder. Also called: SEMA3F-related condition.

Allele frequency attached by ClinVar (database versions not stated): ExAC 0.00002; TOPMed 0.00002; gnomAD exomes 0.00004.
gnomAD v4.1: 60 of 1,613,990 alleles (0.0037%); highest among the groups gnomAD compares: Middle Eastern, 0.016%; no homozygotes.

Submission:

PreventionGenetics, part of Exact Sciences
Classification: Uncertain significance for SEMA3F-related condition. Last evaluated: 2026-04-15. Review status: criteria provided, single submitter. Criteria: ACMG Guidelines, 2015. Collection method: clinical testing. Allele origin: germline.
Comment: The SEMA3F c.261C>T variant is not predicted to result in an amino acid change (p.=). This variant is predicted to alter splicing based on available splicing prediction programs (SpliceAI, Jaganathan et al. 2019. PubMed ID: 30661751). However, the use of computer prediction programs is not equivalent to functional evidence. To our knowledge, this variant has not been reported in the literature. This variant is reported in 0.0080% of alleles in individuals of African descent in gnomAD. At this time, the clinical significance of this variant is uncertain due to the absence of conclusive functional and genetic evidence.